The following is an entry in ClinVar:

ClinVar aggregate classification (germline): Likely pathogenic (1 of 4 stars; one submission).

Conditions:
Saldino-Mainzer syndrome (SRTD9). Also called: CONORENAL SYNDROME; Renal dysplasia, retinal pigmentary dystrophy, cerebellar ataxia and skeletal dysplasia; SHORT-RIB THORACIC DYSPLASIA 9 WITHOUT POLYDACTYLY; short-rib thoracic dysplasia 9 with or without polydactyly. Identifiers: Orphanet 140969, MedGen C1849437, MONDO:0009964, OMIM 266920.

Submission:

Labcorp Genetics (formerly Invitae), Labcorp
Classification: Likely pathogenic for Saldino-Mainzer syndrome. Last evaluated: 2025-04-16. Review status: criteria provided, single submitter. Criteria: Invitae Variant Classification Sherloc (09022015). Collection method: clinical testing. Allele origin: germline.
Comment: This sequence change affects a splice site in intron 21 of the IFT140 gene. It is expected to disrupt RNA splicing. Variants that disrupt the donor or acceptor splice site typically lead to a loss of protein function (PMID: 16199547), and loss-of-function variants in IFT140 are known to be pathogenic (PMID: 22503633, 23418020, 24009529, 26216056). This variant is not present in population databases (gnomAD no frequency). Disruption of this splice site has been observed in individual(s) with IFT140-related conditions (internal data). ClinVar contains an entry for this variant (Variation ID: 3655071). Algorithms developed to predict the effect of sequence changes on RNA splicing suggest that this variant may disrupt the consensus splice site. In summary, the currently available evidence indicates that the variant is pathogenic, but additional data are needed to prove that conclusively. Therefore, this variant has been classified as Likely Pathogenic.

Literature cited by the submitters: PubMed 16199547; PubMed 22503633; PubMed 23418020; PubMed 24009529; PubMed 26216056.

NM_014714.4(IFT140):c.2769-1del

Genes: IFT140 (intraflagellar transport 140; minus strand), LOC126862260 (CDK7 strongly-dependent group 2 enhancer GRCh37_chr16:1574508-1575707; plus strand). Cytogenetic location: 16p13.3.
Variant type: Deletion.
Coding change: c.2769-1del on transcript NM_014714.4 (MANE Select); the canonical splice acceptor site of the intron before coding-DNA position 2769, one base deleted (G; older notation c.2769-1delG).
Molecular consequence: splice acceptor variant.
Genome position (GRCh38, 1-based): chr16:1,525,327, C deleted on the plus strand (G on the coding strand, the reverse complement: IFT140 is on the minus strand). VCF-style (leftmost placement, unchanged base first): chr16-1525326-GC-G. GRCh37 (hg19) VCF-style: chr16-1575327-GC-G.
Identifiers: ClinVar variation 3655071 (VCV003655071.2).